The following is an entry in ClinVar:

NM_001845.6(COL4A1):c.1466-7A>C

Gene: COL4A1 (collagen type IV alpha 1 chain; minus strand). Cytogenetic location: 13q34.
Variant type: single nucleotide variant.
Coding change: c.1466-7A>C on transcript NM_001845.6 (MANE Select); 7 bases into the intron before coding-DNA position 1466, A replaced by C.
Molecular consequence: intron variant.
Genome position (GRCh38, 1-based): chr13:110,192,291, T>G on the plus strand (A>C on the coding strand, the complement: COL4A1 is on the minus strand). VCF-style: chr13-110192291-T-G. GRCh37 (hg19) VCF-style: chr13-110844638-T-G.
Other names: c.1466-7A>C (NM_001303110.2).
Identifiers: ClinVar variation 2992419 (VCV002992419.4), dbSNP rs772338095, ClinGen allele CA7047914.

ClinVar aggregate classification (germline): Conflicting classifications of pathogenicity. Review status: criteria provided, conflicting classifications (1 of 4 stars). 2 submissions from 2 submitters: Uncertain significance (1); Likely benign (1). Last evaluated 2025-07-24.

Allele frequency attached by ClinVar (database versions not stated): gnomAD exomes below 0.00001; TOPMed below 0.00001; ExAC 0.00001.
gnomAD v4.1: 1 of 1,613,878 alleles (0.000062%); highest among the groups gnomAD compares: Admixed American, 0.0017%; no homozygotes.

Submissions (2):

Labcorp Genetics (formerly Invitae), Labcorp
Classification: Likely benign. Last evaluated: 2025-07-24. Review status: criteria provided, single submitter. Criteria: Invitae Variant Classification Sherloc (09022015). Collection method: clinical testing. Allele origin: germline.

Women's Health and Genetics/Laboratory Corporation of America, LabCorp
Classification: Uncertain significance. Last evaluated: 2024-12-18. Review status: criteria provided, single submitter. Criteria: LabCorp Variant Classification Summary - May 2015. Collection method: clinical testing. Allele origin: germline.
Comment: Variant summary: COL4A1 c.1466-7A>C alters a non-conserved nucleotide located close to a canonical splice site and therefore could affect mRNA splicing, leading to a significantly altered protein sequence. Consensus agreement among computation tools predict no significant impact on normal splicing. However, these predictions have yet to be confirmed by functional studies. The variant allele was found at a frequency of 4e-06 in 251306 control chromosomes. The available data on variant occurrences in the general population are insufficient to allow any conclusion about variant significance. To our knowledge, no occurrence of c.1466-7A>C in individuals affected with Porencephaly 1 and no experimental evidence demonstrating its impact on protein function have been reported. ClinVar contains an entry for this variant (Variation ID: 2992419). Based on the evidence outlined above, the variant was classified as uncertain significance.